The following is an entry in ClinVar:

NM_000155.4(GALT):c.152G>T (p.Arg51Leu)

Genes: GALT (galactose-1-phosphate uridylyltransferase; plus strand), LOC130001683 (ATAC-STARR-seq lymphoblastoid active region 28314; plus strand). Cytogenetic location: 9p13.3.
Variant type: single nucleotide variant.
Coding change: c.152G>T on transcript NM_000155.4 (MANE Select); coding-DNA position 152, G replaced by T.
Protein change: p.Arg51Leu; replaces arginine 51 with leucine.
Molecular consequence: missense variant. On other transcripts: 5 prime UTR variant (1).
Genome position (GRCh38, 1-based): chr9:34,647,158, G>T. VCF-style: chr9-34647158-G-T. GRCh37 (hg19) VCF-style: chr9-34647155-G-T.
Other names: c.-51G>T (NM_001258332.2).
Identifiers: ClinVar variation 1470556 (VCV001470556.9), dbSNP rs111033648, ClinGen allele CA259330.

ClinVar aggregate classification (germline): Pathogenic/Likely pathogenic. Review status: criteria provided, multiple submitters, no conflicts (2 of 4 stars). 4 submissions from 4 submitters: Pathogenic (3); Likely pathogenic (1). Last evaluated 2025-12-18.

Conditions:
Deficiency of UDPglucose-hexose-1-phosphate uridylyltransferase. Also called: GALACTOSE-1-PHOSPHATE URIDYLYLTRANSFERASE DEFICIENCY; Transferase Deficiency Galactosemia; GALACTOSEMIA I; GALT deficiency; Galactosemia, classic. Identifiers: Orphanet 352, Orphanet 79239, MedGen C0268151, MONDO:0009258, OMIM 230400.
Galactosemia. Also called: Galactose intolerance. Identifiers: Orphanet 352, MedGen C0016952, MONDO:0018116, HP:0004919. Disease mechanism: loss of function.

Submissions (4):

Natera, Inc.
Classification: Pathogenic for Galactosemia. Last evaluated: 2025-12-18. Review status: criteria provided, single submitter. Criteria: Natera Variant Classification Schema (03/2026). Collection method: clinical testing. Allele origin: germline.
Comment: The c.152G>T variant in GALT is a missense variant predicted to cause substitution of arginine to leucine at amino acid 51. This variant is rare in the general population with a frequency below the threshold expected for the associated phenotype(s). This variant has been observed in one or more individuals affected with the associated recessive disease, as either homozygous or compound heterozygous with a second variant (PMID: 38469090, 34030713, 22944367). This variant has been identified in one or more affected individual with a phenotype highly consistent with the associated gene (PMID: 34030713, 22944367). A different variant at the same position has been determined to be Pathogenic or Likely Pathogenic. Computational prediction algorithms indicate this variant is likely to affect gene or protein function. Given the available evidence, this variant is classified as Pathogenic.

Labcorp Genetics (formerly Invitae), Labcorp
Classification: Pathogenic for Deficiency of UDPglucose-hexose-1-phosphate uridylyltransferase. Last evaluated: 2023-08-14. Review status: criteria provided, single submitter. Criteria: Invitae Variant Classification Sherloc (09022015). Collection method: clinical testing. Allele origin: germline.
Comment: This sequence change replaces arginine, which is basic and polar, with leucine, which is neutral and non-polar, at codon 51 of the GALT protein (p.Arg51Leu). This variant is not present in population databases (gnomAD no frequency). This missense change has been observed in individual(s) with galactosemia (PMID: 22944367, 29892033, 34030713). ClinVar contains an entry for this variant (Variation ID: 1470556). Advanced modeling of protein sequence and biophysical properties (such as structural, functional, and spatial information, amino acid conservation, physicochemical variation, residue mobility, and thermodynamic stability) performed at Invitae indicates that this missense variant is expected to disrupt GALT protein function. This variant disrupts the p.Arg51 amino acid residue in GALT. Other variant(s) that disrupt this residue have been determined to be pathogenic (PMID: 15841485, 31954591). This suggests that this residue is clinically significant, and that variants that disrupt this residue are likely to be disease-causing. For these reasons, this variant has been classified as Pathogenic.

Baylor Genetics
Classification: Likely pathogenic for Deficiency of UDPglucose-hexose-1-phosphate uridylyltransferase. Last evaluated: 2023-08-07. Review status: criteria provided, single submitter. Criteria: ACMG Guidelines, 2015. Collection method: clinical testing. Allele origin: unknown.

Women's Health and Genetics/Laboratory Corporation of America, LabCorp
Classification: Pathogenic for Deficiency of UDPglucose-hexose-1-phosphate uridylyltransferase. Last evaluated: 2022-11-18. Review status: criteria provided, single submitter. Criteria: LabCorp Variant Classification Summary - May 2015. Collection method: clinical testing. Allele origin: germline.
Comment: Variant summary: GALT c.152G>T (p.Arg51Leu) results in a non-conservative amino acid change located in the N-terminal domain (IPR005849) of the encoded protein sequence. Five of five in-silico tools predict a damaging effect of the variant on protein function. The variant was absent in 251422 control chromosomes (gnomAD). c.152G>T has been reported in the literature in multiple individuals affected with Galactosemia (e.g. Tyfield_1999, Zekanowski_2001, Boutron_2012, Bech_2018, Jezela-Stanek_2021). These data indicate that the variant is very likely to be associated with disease. Molecular modelling has suggested that this variant is likely to impact the structure of the GALT protein (e.g. Facchiano_2010). However, to our knowledge, an effect on protein function has yet to be evaluated with experimental studies. One clinical diagnostic laboratory has submitted a clinical-significance assessment for this variant to ClinVar after 2014 and the variant as likely pathogenic. Based on the evidence outlined above, the variant was classified as pathogenic.

Literature cited by the submitters: PubMed 38469090 (cited by Natera, Inc.); PubMed 34030713 (cited by 3 submitters); PubMed 22944367 (cited by 3 submitters); PubMed 29892033 (cited by Labcorp Genetics (formerly Invitae), Labcorp and Women's Health and Genetics/Laboratory Corporation of America, LabCorp); PubMed 15841485 (cited by Labcorp Genetics (formerly Invitae), Labcorp); PubMed 31954591 (cited by Labcorp Genetics (formerly Invitae), Labcorp); PubMed 10408771 (cited by Women's Health and Genetics/Laboratory Corporation of America, LabCorp); PubMed 20008339 (cited by Women's Health and Genetics/Laboratory Corporation of America, LabCorp); PubMed 11678552 (cited by Women's Health and Genetics/Laboratory Corporation of America, LabCorp).